The following is an entry in ClinVar:

NM_004999.4(MYO6):c.2515G>A (p.Gly839Ser)

Gene: MYO6 (myosin VI; plus strand). Cytogenetic location: 6q14.1.
Variant type: single nucleotide variant.
Coding change: c.2515G>A on transcript NM_004999.4 (MANE Select); coding-DNA position 2515, G replaced by A.
Protein change: p.Gly839Ser; replaces glycine 839 with serine.
Molecular consequence: missense variant. On other transcripts: non-coding transcript variant (1).
Genome position (GRCh38, 1-based): chr6:75,886,851, G>A. VCF-style: chr6-75886851-G-A. GRCh37 (hg19) VCF-style: chr6-76596568-G-A.
Other names: c.2515G>A, p.Gly839Ser (NM_001300899.2, NM_001368136.1, NM_001368137.1 and 2 more transcripts); c.2500G>A, p.Gly834Ser (NM_001368138.1); short protein forms G834S, G839S.
Identifiers: ClinVar variation 1194023 (VCV001194023.6), dbSNP rs1352587099, ClinGen allele CA364775114.
Genomic context (GRCh38, chr6:75,886,851, plus strand): 5'-GCCAAAAGTACTAAAGGATGAAATTAAGCTCTAATGAAGTATTATTTTTACAGCATTGAT[G>A]GTCTGGTTAAGGTGGGCACACTGAAAAAACGACTTGATAAATTTAATGAGGTAGTCAGTG-3'
Protein context (NP_004990.3, residues 829-849): CKRRHKPRID[Gly839Ser]LVKVGTLKKR

ClinVar aggregate classification (germline): Uncertain significance. Review status: criteria provided, multiple submitters, no conflicts (2 of 4 stars). 4 submissions from 4 submitters: Uncertain significance (4). Last evaluated 2026-06-16.

Conditions:
MYO6-related disorder. Also called: MYO6-related condition; MYO6-related disorders.
Inborn genetic diseases. Identifiers: MedGen C0950123, MeSH D030342.

Allele frequency attached by ClinVar (database versions not stated): gnomAD exomes 0.00001; gnomAD 0.00002; TOPMed 0.00002.
gnomAD v4.1: 9 of 1,613,522 alleles (0.00056%); highest among the groups gnomAD compares: Non-Finnish European, 0.00076%; no homozygotes.

Submissions (4):

PreventionGenetics, part of Exact Sciences
Classification: Uncertain significance for MYO6-related condition. Last evaluated: 2026-06-16. Review status: criteria provided, single submitter. Criteria: ACMG Guidelines, 2015. Collection method: clinical testing. Allele origin: germline.
Comment: The MYO6 c.2515G>A variant is predicted to result in the amino acid substitution p.Gly839Ser. To our knowledge, this variant has not been reported in the literature. This variant is reported in 0.0031% of alleles in individuals of European (Non-Finnish) descent in gnomAD. At this time, the clinical significance of this variant is uncertain due to the absence of conclusive functional and genetic evidence.

Labcorp Genetics (formerly Invitae), Labcorp
Classification: Uncertain significance. Last evaluated: 2025-11-11. Review status: criteria provided, single submitter. Criteria: Invitae Variant Classification Sherloc (09022015). Collection method: clinical testing. Allele origin: germline.
Comment: This sequence change replaces glycine, which is neutral and non-polar, with serine, which is neutral and polar, at codon 839 of the MYO6 protein (p.Gly839Ser). This variant is present in population databases (no rsID available, gnomAD 0.007%). This variant has not been reported in the literature in individuals affected with MYO6-related conditions. ClinVar contains an entry for this variant (Variation ID: 1194023). Invitae Evidence Modeling of protein sequence and biophysical properties (such as structural, functional, and spatial information, amino acid conservation, physicochemical variation, residue mobility, and thermodynamic stability) indicates that this missense variant is not expected to disrupt MYO6 protein function with a negative predictive value of 80%. In summary, the available evidence is currently insufficient to determine the role of this variant in disease. Therefore, it has been classified as a Variant of Uncertain Significance.

Ambry Genetics
Classification: Uncertain significance for Inborn genetic diseases. Last evaluated: 2025-04-12. Review status: criteria provided, single submitter. Criteria: Ambry Variant Classification Scheme 2023. Collection method: clinical testing. Allele origin: germline.

GeneDx
Classification: Uncertain significance. Last evaluated: 2025-03-28. Review status: criteria provided, single submitter. Criteria: GeneDx Variant Classification Process June 2021. Collection method: clinical testing. Allele origin: germline. Affected: yes.
Comment: In silico analysis supports that this missense variant has a deleterious effect on protein structure/function; Has not been previously published as pathogenic or benign to our knowledge